The following is an entry in ClinVar:

ClinVar aggregate classification (germline): Uncertain significance. Review status: criteria provided, multiple submitters, no conflicts (2 of 4 stars). 2 submissions from 2 submitters: Uncertain significance (2). Last evaluated 2025-06-19.

Conditions:
Inborn genetic diseases. Identifiers: MedGen C0950123, MeSH D030342.
Mitochondrial DNA depletion syndrome, encephalomyopathic form with methylmalonic aciduria (MTDPS5). Also called: SUCLA2-Related Mitochondrial DNA Depletion Syndrome, Encephalomyopathic Form with Methylmalonic Aciduria; Mitochondrial encephalomyopathy aminoacidopathy; MITOCHONDRIAL DNA DEPLETION SYNDROME, ENCEPHALOMYOPATHIC FORM, WITH OR WITHOUT METHYLMALONIC ACIDURIA, AUTOSOMAL RECESSIVE, SUCLA2-RELATED; Mitochondrial DNA depletion syndrome 5 (encephalomyopathic with or without methylmalonic aciduria). Identifiers: Orphanet 1933, MedGen C5980207, MONDO:0012791, OMIM 612073.

Allele frequency attached by ClinVar (database versions not stated): ExAC 0.00003; gnomAD 0.00003; gnomAD exomes 0.00004; TOPMed 0.00006.
gnomAD v4.1: 71 of 1,613,976 alleles (0.0044%); highest among the groups gnomAD compares: Non-Finnish European, 0.0045%; no homozygotes.

Submissions (2):

Ambry Genetics
Classification: Uncertain significance for Inborn genetic diseases. Last evaluated: 2025-06-19. Review status: criteria provided, single submitter. Criteria: Ambry Variant Classification Scheme 2023. Collection method: clinical testing. Allele origin: germline.

Labcorp Genetics (formerly Invitae), Labcorp
Classification: Uncertain significance for Mitochondrial DNA depletion syndrome, encephalomyopathic form with methylmalonic aciduria. Last evaluated: 2022-04-19. Review status: criteria provided, single submitter. Criteria: Invitae Variant Classification Sherloc (09022015). Collection method: clinical testing. Allele origin: germline.
Comment: This sequence change replaces histidine, which is basic and polar, with arginine, which is basic and polar, at codon 41 of the SUCLA2 protein (p.His41Arg). This variant is present in population databases (rs753558884, gnomAD 0.03%). This variant has not been reported in the literature in individuals affected with SUCLA2-related conditions. Algorithms developed to predict the effect of missense changes on protein structure and function (SIFT, PolyPhen-2, Align-GVGD) all suggest that this variant is likely to be tolerated. In summary, the available evidence is currently insufficient to determine the role of this variant in disease. Therefore, it has been classified as a Variant of Uncertain Significance.

NM_003850.3(SUCLA2):c.122A>G (p.His41Arg)

Gene: SUCLA2 (succinate-CoA ligase ADP-forming subunit beta; minus strand). Cytogenetic location: 13q14.2.
Variant type: single nucleotide variant.
Coding change: c.122A>G on transcript NM_003850.3 (MANE Select); coding-DNA position 122, A replaced by G.
Protein change: p.His41Arg; replaces histidine 41 with arginine.
Molecular consequence: missense variant.
Genome position (GRCh38, 1-based): chr13:47,996,992, T>C on the plus strand (A>G on the coding strand, the complement: SUCLA2 is on the minus strand). VCF-style: chr13-47996992-T-C. GRCh37 (hg19) VCF-style: chr13-48571127-T-C.
Other names: short protein forms H41R.
Identifiers: ClinVar variation 1964472 (VCV001964472.4), dbSNP rs753558884, ClinGen allele CA6978082.